The following is an entry in ClinVar:

NM_001267550.2(TTN):c.70698C>T (p.Gly23566=)

Genes: TTN (titin; minus strand), TTN-AS1 (TTN antisense RNA 1; plus strand). Cytogenetic location: 2q31.2.
Variant type: single nucleotide variant.
Coding change: c.70698C>T on transcript NM_001267550.2 (MANE Select); coding-DNA position 70698, C replaced by T.
Protein change: p.Gly23566=; no amino-acid change (glycine 23566 retained).
Molecular consequence: synonymous variant.
Genome position (GRCh38, 1-based): chr2:178,575,434, G>A on the plus strand (C>T on the coding strand, the complement: TTN is on the minus strand). VCF-style: chr2-178575434-G-A. GRCh37 (hg19) VCF-style: chr2-179440161-G-A.
Other names: c.65775C>T, p.Gly21925= (NM_001256850.1); c.43503C>T, p.Gly14501= (NM_003319.4); c.62994C>T, p.Gly20998= (NM_133378.4); c.43878C>T, p.Gly14626= (NM_133432.3); c.44079C>T, p.Gly14693= (NM_133437.4).
Identifiers: ClinVar variation 514096 (VCV000514096.10), dbSNP rs1553613149, ClinGen allele CA430257922.

ClinVar aggregate classification (germline): Likely benign. Review status: criteria provided, multiple submitters, no conflicts (2 of 4 stars). 2 submissions from 2 submitters: Likely benign (2). Last evaluated 2022-07-12.

Conditions:
Autosomal recessive limb-girdle muscular dystrophy type 2J (LGMDR10). Also called: MUSCULAR DYSTROPHY, LIMB-GIRDLE, AUTOSOMAL RECESSIVE 10; Limb-girdle muscular dystrophy, type 2J. Identifiers: Orphanet 140922, MedGen C1837342, MONDO:0012127, OMIM 608807.
Dilated cardiomyopathy 1G (CMD1G). Identifiers: Orphanet 154, MedGen C1858763, MONDO:0011400, OMIM 604145.

Submissions (2):

Labcorp Genetics (formerly Invitae), Labcorp
Classification: Likely benign for Dilated cardiomyopathy 1G; Autosomal recessive limb-girdle muscular dystrophy type 2J. Last evaluated: 2022-07-12. Review status: criteria provided, single submitter. Criteria: Invitae Variant Classification Sherloc (09022015). Collection method: clinical testing. Allele origin: germline.

GeneDx
Classification: Likely benign. Last evaluated: 2017-12-11. Review status: criteria provided, single submitter. Criteria: GeneDx Variant Classification (06012015). Collection method: clinical testing. Allele origin: germline. Affected: yes.
Comment: This variant is considered likely benign or benign based on one or more of the following criteria: it is a conservative change, it occurs at a poorly conserved position in the protein, it is predicted to be benign by multiple in silico algorithms, and/or has population frequency not consistent with disease.